The following is an entry in ClinVar:

NM_000465.4(BARD1):c.1568+10T>A

Gene: BARD1 (BRCA1 associated RING domain 1; minus strand). Cytogenetic location: 2q35.
Variant type: single nucleotide variant.
Coding change: c.1568+10T>A on transcript NM_000465.4 (MANE Select); 10 bases into the intron after coding-DNA position 1568, T replaced by A.
Molecular consequence: intron variant.
Genome position (GRCh38, 1-based): chr2:214,767,472, A>T on the plus strand (T>A on the coding strand, the complement: BARD1 is on the minus strand). VCF-style: chr2-214767472-A-T. GRCh37 (hg19) VCF-style: chr2-215632196-A-T.
Other names: c.159-14917T>A (NM_001282548.2); c.1511+10T>A (NM_001282543.2); c.216-14917T>A (NM_001282545.2); c.364+24825T>A (NM_001282549.2).
Identifiers: ClinVar variation 748476 (VCV000748476.11), dbSNP rs1375582645, ClinGen allele CA915941681.

ClinVar aggregate classification (germline): Likely benign. Review status: criteria provided, multiple submitters, no conflicts (2 of 4 stars). 3 submissions from 3 submitters: Likely benign (3). Last evaluated 2024-09-21.

Conditions:
Familial cancer of breast. Also called: Hereditary breast cancer; hereditary breast carcinoma; BREAST CANCER, FAMILIAL. Identifiers: Orphanet 227535, MedGen C0346153, MONDO:0016419, OMIM 114480. Disease mechanism: loss of function.

Submissions (3):

Labcorp Genetics (formerly Invitae), Labcorp
Classification: Likely benign for Familial cancer of breast. Last evaluated: 2024-09-21. Review status: criteria provided, single submitter. Criteria: Invitae Variant Classification Sherloc (09022015). Collection method: clinical testing. Allele origin: germline.

Myriad Genetics, Inc.
Classification: Likely benign for Familial cancer of breast. Last evaluated: 2024-07-25. Review status: criteria provided, single submitter. Criteria: Myriad Autosomal Dominant, Autosomal Recessive and X-Linked Classification Criteria (2023). Collection method: clinical testing. Allele origin: unknown.
Comment: This variant is considered likely benign. This variant is intronic and is not expected to impact mRNA splicing.

Blueprint Genetics
Classification: Likely benign. Last evaluated: 2021-05-14. Review status: criteria provided, single submitter. Criteria: ACMG Guidelines, 2015. Collection method: clinical testing. Allele origin: germline.